The following is an entry in ClinVar:

NM_006767.4(LZTR1):c.937T>C (p.Cys313Arg)

Gene: LZTR1 (leucine zipper like post translational regulator 1; plus strand). Cytogenetic location: 22q11.21.
Variant type: single nucleotide variant.
Coding change: c.937T>C on transcript NM_006767.4 (MANE Select); coding-DNA position 937, T replaced by C.
Protein change: p.Cys313Arg; replaces cysteine 313 with arginine.
Molecular consequence: missense variant.
Genome position (GRCh38, 1-based): chr22:20,991,773, T>C. VCF-style: chr22-20991773-T-C. GRCh37 (hg19) VCF-style: chr22-21346062-T-C.
Other names: short protein forms C313R.
Identifiers: ClinVar variation 4615636 (VCV004615636.1).

ClinVar aggregate classification (germline): Uncertain significance (1 of 4 stars; one submission).

Conditions:
Cardiovascular phenotype. Identifiers: MedGen CN230736.
Hereditary cancer-predisposing syndrome. Also called: Neoplastic Syndromes, Hereditary; Tumor predisposition; Hereditary Cancer Syndrome; Hereditary neoplastic syndrome. Identifiers: Orphanet 140162, MedGen C0027672, MeSH D009386, MONDO:0015356.

Submission:

Ambry Genetics
Classification: Uncertain significance for Cardiovascular phenotype; Hereditary cancer-predisposing syndrome. Last evaluated: 2025-10-22. Review status: criteria provided, single submitter. Criteria: Ambry Variant Classification Scheme 2023. Collection method: clinical testing. Allele origin: germline.
Comment: The p.C313R variant (also known as c.937T>C), located in coding exon 9 of the LZTR1 gene, results from a T to C substitution at nucleotide position 937. The cysteine at codon 313 is replaced by arginine, an amino acid with highly dissimilar properties. This amino acid position is conserved. In addition, this alteration is predicted to be deleterious by in silico analysis. Based on the available evidence, the clinical significance of this variant remains unclear.